The following is an entry in ClinVar:

NM_001754.5(RUNX1):c.*917del

Gene: RUNX1 (RUNX family transcription factor 1; minus strand). Cytogenetic location: 21q22.12.
Variant type: Deletion.
Coding change: c.*917del on transcript NM_001754.5 (MANE Select); 917 bases downstream of the stop codon, one base deleted (A; older notation c.*917delA).
Molecular consequence: 3 prime UTR variant.
Genome position (GRCh38, 1-based): chr21:34,791,218, T deleted on the plus strand (A on the coding strand, the reverse complement: RUNX1 is on the minus strand); the first of 7 consecutive T bases (chr21:34,791,218-34,791,224); deleting any one gives the same sequence. VCF-style (leftmost placement, unchanged base first): chr21-34791217-CT-C. GRCh37 (hg19) VCF-style: chr21-36163514-CT-C.
Other names: c.*917del (NM_001001890.3).
Identifiers: ClinVar variation 339854 (VCV000339854.6), dbSNP rs780068987, ClinGen allele CA10650429.

ClinVar aggregate classification (germline): Likely benign (3 of 4 stars; one submission).

Conditions:
Hereditary thrombocytopenia and hematologic cancer predisposition syndrome. Identifiers: Orphanet 71290, MedGen CN281654, MONDO:0011071.

Submission:

ClinGen Myeloid Malignancy Variant Curation Expert Panel
Classification: Likely benign for Hereditary thrombocytopenia and hematologic cancer predisposition syndrome. Last evaluated: 2025-01-15. Review status: reviewed by expert panel. Criteria: ClinGen MyeloMalig ACMG Specifications v2. Collection method: curation. Allele origin: germline. Inheritance: Autosomal dominant inheritance.
Comment: NM_001754.5(RUNX1):c.*917del is a 3' UTR variant with a MAF in the African American subpopulation which is higher than expected for this disorder (0.039%). There is no computational or functional evidence to support a deleterious impact on the protein function. So far, the variant has not been described in the literature. In summary, this variant meets criteria to be classified as likely benign. ACMG/AMP criteria applied, as specified by the Myeloid Malignancy Variant Curation Expert Panel for RUNX1: BS1.